The following is an entry in ClinVar:

ClinVar aggregate classification (germline): Uncertain significance (1 of 4 stars; one submission).

Submission:

GeneDx
Classification: Uncertain significance. Last evaluated: 2022-08-12. Review status: criteria provided, single submitter. Criteria: GeneDx Variant Classification Process June 2021. Collection method: clinical testing. Allele origin: germline. Affected: yes.
Comment: Not observed at significant frequency in large population cohorts (gnomAD); Canonical splice site variant in a gene or region of a gene for which loss of function is not a well-established mechanism of disease; Has not been previously published as pathogenic or benign to our knowledge

NM_001382430.1(AKT1):c.634-1G>A

Gene: AKT1 (AKT serine/threonine kinase 1; minus strand). Cytogenetic location: 14q32.33.
Variant type: single nucleotide variant.
Coding change: c.634-1G>A on transcript NM_001382430.1 (MANE Select); the canonical splice acceptor site of the intron before coding-DNA position 634, G replaced by A.
Molecular consequence: splice acceptor variant.
Genome position (GRCh38, 1-based): chr14:104,773,981, C>T on the plus strand (G>A on the coding strand, the complement: AKT1 is on the minus strand). VCF-style: chr14-104773981-C-T. GRCh37 (hg19) VCF-style: chr14-105240318-C-T.
Other names: c.634-1G>A (NM_001014431.2, NM_001014432.2, NM_001382433.1 and 3 more transcripts).
Identifiers: ClinVar variation 2429711 (VCV002429711.1), dbSNP rs2542133897, ClinGen allele CA391218979.